The following is an entry in ClinVar:

NM_152564.5(VPS13B):c.5918A>G (p.Lys1973Arg)

Gene: VPS13B (vacuolar protein sorting 13 homolog B; plus strand). Cytogenetic location: 8q22.2.
Variant type: single nucleotide variant.
Coding change: c.5918A>G on transcript NM_152564.5 (MANE Select); coding-DNA position 5918, A replaced by G.
Protein change: p.Lys1973Arg; replaces lysine 1973 with arginine.
Molecular consequence: missense variant.
Genome position (GRCh38, 1-based): chr8:99,661,363, A>G. VCF-style: chr8-99661363-A-G. GRCh37 (hg19) VCF-style: chr8-100673591-A-G.
Other names: c.5993A>G, p.Lys1998Arg (NM_017890.5); short protein forms K1973R, K1998R.
Identifiers: ClinVar variation 4809267 (VCV004809267.1).

ClinVar aggregate classification (germline): Uncertain significance (1 of 4 stars; one submission).

Conditions:
Cohen syndrome (COH1). Also called: Cutis verticis gyrata, retinitis pigmentosa, and sensorineural deafness; PEPPER SYNDROME. Identifiers: Orphanet 193, MedGen C0265223, MONDO:0008999, OMIM 216550.

Submission:

Labcorp Genetics (formerly Invitae), Labcorp
Classification: Uncertain significance for Cohen syndrome. Last evaluated: 2025-04-28. Review status: criteria provided, single submitter. Criteria: Invitae Variant Classification Sherloc (09022015). Collection method: clinical testing. Allele origin: germline.
Comment: This sequence change replaces lysine, which is basic and polar, with arginine, which is basic and polar, at codon 1998 of the VPS13B protein (p.Lys1998Arg). This variant is not present in population databases (gnomAD no frequency). This variant has not been reported in the literature in individuals affected with VPS13B-related conditions. Invitae Evidence Modeling of protein sequence and biophysical properties (such as structural, functional, and spatial information, amino acid conservation, physicochemical variation, residue mobility, and thermodynamic stability) has been performed for this missense variant. However, the output from this modeling did not meet the statistical confidence thresholds required to predict the impact of this variant on VPS13B protein function. In summary, the available evidence is currently insufficient to determine the role of this variant in disease. Therefore, it has been classified as a Variant of Uncertain Significance.